The following is an entry in ClinVar:

NM_000059.4(BRCA2):c.5157_5160del (p.Asn1719fs)

Gene: BRCA2 (BRCA2 DNA repair associated; plus strand). Cytogenetic location: 13q13.1.
Variant type: Deletion.
Coding change: c.5157_5160del on transcript NM_000059.4 (MANE Select); coding-DNA positions 5157 to 5160, 4 bases deleted (TTCA; older notation c.5157_5160delTTCA).
Protein change: p.Asn1719fs; shifts the reading frame from asparagine 1719.
Molecular consequence: frameshift variant.
Genome position (GRCh38, 1-based): chr13:32,339,512-32,339,515, TTCA deleted; deleting any 4 consecutive bases within chr13:32,339,511-32,339,515 gives the same sequence; the c. name uses the placement nearest the transcript's 3' end. VCF-style (leftmost placement, unchanged base first): chr13-32339510-AATTC-A. GRCh37 (hg19) VCF-style: chr13-32913647-AATTC-A.
Other names: 5385del4; short protein forms N1719fs.
Identifiers: ClinVar variation 266854 (VCV000266854.3), dbSNP rs886040571, ClinGen allele CA10589292.

ClinVar aggregate classification (germline): Pathogenic (3 of 4 stars; one submission).

Conditions:
Breast-ovarian cancer, familial, susceptibility to, 2 (BROVCA2). Also called: BRCA2 Hereditary Breast and Ovarian Cancer. Identifiers: Orphanet 145, MedGen C2675520, MONDO:0012933, OMIM 612555. Disease mechanism: loss of function.

Submission:

Evidence-based Network for the Interpretation of Germline Mutant Alleles (ENIGMA)
Classification: Pathogenic for Breast-ovarian cancer, familial, susceptibility to, 2. Last evaluated: 2016-10-18. Review status: reviewed by expert panel. Criteria: ENIGMA BRCA1/2 Classification Criteria (2015). Collection method: curation. Allele origin: germline.
Comment: Variant allele predicted to encode a truncated non-functional protein.